The following is an entry in ClinVar:

ClinVar aggregate classification (germline): Conflicting classifications of pathogenicity. Review status: criteria provided, conflicting classifications (1 of 4 stars). 25 submissions from 23 submitters: Uncertain significance (14); Benign (1); Likely benign (3). 7 of the submissions do not count toward it. Last evaluated 2026-01-28.

Conditions:
Idiopathic Pulmonary Fibrosis. Also called: Idiopathic fibrosing alveolitis, chronic form; idiopathic fibrosing alveolitis. Identifiers: Orphanet 2032, MedGen C1800706, MeSH D054990, MONDO:0800504.
Dyskeratosis congenita, autosomal dominant 2. Identifiers: MedGen C3151443, MONDO:0013521, OMIM 613989.
TERT-related disorder. Also called: TERT-related disorders; TERT-related condition.
Pulmonary fibrosis and/or bone marrow failure, Telomere-related, 1. Also called: PULMONARY FIBROSIS AND/OR BONE MARROW FAILURE SYNDROME, TELOMERE-RELATED, 1. Identifiers: Orphanet 88, MedGen C3553617, MONDO:0013878, OMIM 614742.
Dyskeratosis congenita. Identifiers: Orphanet 1775, MedGen C0265965, MONDO:0015780.
Aplastic anemia. Identifiers: Orphanet 182040, Orphanet 88, MedGen C0002874, MONDO:0015909, OMIM 609135, HP:0001915.

Allele frequency attached by ClinVar (database versions not stated): gnomAD exomes 0.00012 and 0.00032; gnomAD 0.00018 and 0.00019; 1000 Genomes Project 0.00020; ExAC 0.00035; TOPMed 0.00036; 1000 Genomes Project 30x 0.00062.

Submissions 1 to 16 of 25:

Labcorp Genetics (formerly Invitae), Labcorp
Classification: Likely benign for Dyskeratosis congenita, autosomal dominant 2; Idiopathic Pulmonary Fibrosis. Last evaluated: 2026-01-28. Review status: criteria provided, single submitter. Criteria: Invitae Variant Classification Sherloc (09022015). Collection method: clinical testing. Allele origin: germline.

CeGaT Center for Human Genetics Tuebingen
Classification: Uncertain significance. Last evaluated: 2026-01-01. Review status: criteria provided, single submitter. Criteria: CeGaT Center For Human Genetics Tuebingen Variant Classification Criteria Version 2. Collection method: clinical testing. Allele origin: germline. Affected: yes. Observed: 1 variant allele.
Comment: TERT: PS3:Supporting

Center for Genomic Medicine, Rigshospitalet, Copenhagen University Hospital
Classification: Uncertain significance. Last evaluated: 2025-03-04. Review status: criteria provided, single submitter. Criteria: ACMG Guidelines, 2015. Collection method: clinical testing. Allele origin: germline.

Ambry Genetics
Classification: Uncertain significance for Dyskeratosis congenita. Last evaluated: 2024-12-31. Review status: criteria provided, single submitter. Criteria: Ambry Variant Classification Scheme 2023. Collection method: clinical testing. Allele origin: germline.
Comment: The p.A202T variant (also known as c.604G>A), located in coding exon 2 of the TERT gene, results from a G to A substitution at nucleotide position 604. The alanine at codon 202 is replaced by threonine, an amino acid with similar properties. This variant was identified in individuals diagnosed with aplastic anemia (Yamaguchi H et al. N. Engl. J. Med., 2005 Apr;352:1413-24; Scheinberg P et al. JAMA, 2010 Sep;304:1358-64) as well as in healthy individuals (Calado RT et al. Blood, 2009 Sep;114:2236-43; Chen R et al. Cell, 2012 Mar;148:1293-307). In addition, telomerase activity studies have had conflicting results, with <1% activity in one assay and 88% in another compared to wild type (Yamaguchi H et al. N. Engl. J. Med., 2005 Apr;352:1413-24; Zaug AJ et al. Nucleic Acids Res., 2013 Oct;41:8969-78). This amino acid position is not well conserved in available vertebrate species. In addition, the in silico prediction for this alteration is inconclusive. The evidence for this gene-disease relationship is limited; therefore, the clinical significance of this alteration is unclear.

Blueprint Genetics
Classification: Uncertain significance. Last evaluated: 2024-11-08. Review status: criteria provided, single submitter. Criteria: ACMG Guidelines, 2015. Collection method: clinical testing. Allele origin: germline.

St. Jude Molecular Pathology, St. Jude Children's Research Hospital
Classification: Uncertain significance for Dyskeratosis congenita, autosomal dominant 2. Last evaluated: 2024-04-12. Review status: criteria provided, single submitter. Criteria: St. Jude Assertion Criteria 2020. Collection method: clinical testing. Allele origin: germline.

Revvity Omics, Revvity
Classification: Uncertain significance. Last evaluated: 2023-02-15. Review status: criteria provided, single submitter. Criteria: ACMG Guidelines, 2015. Collection method: clinical testing. Allele origin: germline.

Sema4
Classification: Uncertain significance for Dyskeratosis congenita. Last evaluated: 2021-10-31. Review status: criteria provided, single submitter. Criteria: Sema4 Curation Guidelines. Collection method: curation. Allele origin: germline.
Comment: The TERT c.604G>A (p.A202T) variant has been reported as heterozygous in individuals with personal or family histories of aplastic anemia and myelodysplastic syndrome (PMID: 15814878, 15885610, 28104920, 30523342). The variant was observed to segregate with short telomeres in one family (PMID: 15814878); however, in another family it was absent in multiple relatives with aplastic anemia/myelodysplastic syndrome (PMID: 15885610). It was reported as homozygous in one individual undergoing clinical WES due to oligodontia, hidrotic ectodermal dysplasia, sparse hair, dystrophic fingernails (PMID: 27848944). Functional studies have shown telomerase activity at either normal levels or reduced to approximately 50% of WT (PMID: 23901009, 19561322, 15814878). It was observed in 72/240310 chromosomes, with one homozygote, in the large and broad cohorts of the Genome Aggregation Database (PMID: 32461654). The variant has been reported in ClinVar (Variation ID 12729). The evidence is insufficient to meet ACMG/AMP criteria for classifying the variant as benign or pathogenic. Thus, the clinical significance of this variant is currently uncertain.

GeneDx
Classification: Likely benign. Last evaluated: 2021-06-02. Review status: criteria provided, single submitter. Criteria: GeneDx Variant Classification Process June 2021. Collection method: clinical testing. Allele origin: germline. Affected: yes.
Comment: In silico analysis supports that this missense variant does not alter protein structure/function; This variant is associated with the following publications: (PMID: 15885610, 23538340, 23716176, 15814878, 30791107, 30426156, 29416752, 30523342, 20858879, 32089214, 22424236, 23901009)

Dubai Health Genomic Medicine Center, Dubai Health
Classification: Uncertain significance. Last evaluated: 2021-03-22. Review status: criteria provided, single submitter. Criteria: ACMG Guidelines, 2015. Collection method: clinical testing. Allele origin: germline. Affected: yes.
Comment: The p.Ala202Thr in TERT has been previously reported in the heterozygous state in more than 5 unrelated patients with aplastic anemia or myelodysplastic syndrome (PMIDs: 15814878 30523342). This variant was also identified in 0.09% (29/33922 0 homozygotes) Latino alleles and in homozygosity in another individual in the Genome Aggregation Database (gnomAD). In addition it was observed in 0.36% (7/1935 0 homozygotes) alleles in the Greater Middle East (GME) variome database. Functional analysis using patient cell lines showed that this variant causes reduced telomerase activity leading to shorter telomeres. This reduced functional activity but not the clinical phenotype segregated with the p.Ala202Thr variant in one family (PMID: 15814878). However another in vitro functional study demonstrated that the enzyme carrying this variant had activity levels almost comparable to wildtype (PMID: 23901009). Computation prediction tools and conservation analysis do not suggest an impact to protein function though this information is not predictive enough to rule out pathogenicity. In summary more information is needed to fully assess the clinical significance of this variant.

Institute of Human Genetics, University of Leipzig Medical Center
Classification: Uncertain significance for Dyskeratosis congenita, autosomal dominant 2. Last evaluated: 2020-01-24. Review status: criteria provided, single submitter. Criteria: ACMG Guidelines, 2015. Collection method: clinical testing. Allele origin: germline. Affected: yes. Observed: 1 variant allele.

Genetic Services Laboratory, University of Chicago
Classification: Uncertain significance. Last evaluated: 2019-10-24. Review status: criteria provided, single submitter. Criteria: ACMG Guidelines, 2015. Collection method: clinical testing. Allele origin: germline. Affected: no.

Johns Hopkins Genomics, Johns Hopkins University
Classification: Likely benign for Dyskeratosis congenita, autosomal dominant 2. Last evaluated: 2019-02-26. Review status: criteria provided, single submitter. Criteria: ACMG Guidelines, 2015. Collection method: clinical testing. Allele origin: germline.

Illumina Laboratory Services, Illumina
Classification: Uncertain significance for Aplastic anemia. Last evaluated: 2018-01-25. Review status: criteria provided, single submitter. Criteria: ICSL Variant Classification Criteria 13 December 2019. Collection method: clinical testing. Allele origin: germline.
Comment: This variant was observed as part of a predisposition screen in an ostensibly healthy population. A literature search was performed for the gene, cDNA change, and amino acid change (where applicable). Publications were found based on this search. However, the evidence from the literature, in combination with allele frequency data from public databases where available, was not sufficient to rule this variant in or out of causing disease. Therefore, this variant is classified as a variant of unknown significance.

Illumina Laboratory Services, Illumina
Classification: Uncertain significance for Dyskeratosis congenita, autosomal dominant 2. Last evaluated: 2018-01-25. Review status: criteria provided, single submitter. Criteria: ICSL Variant Classification Criteria 13 December 2019. Collection method: clinical testing. Allele origin: germline.

Illumina Laboratory Services, Illumina
Classification: Benign for Pulmonary fibrosis and/or bone marrow failure, Telomere-related, 1. Last evaluated: 2018-01-25. Review status: criteria provided, single submitter. Criteria: ICSL Variant Classification Criteria 13 December 2019. Collection method: clinical testing. Allele origin: germline.
Comment: This variant was observed as part of a predisposition screen in an ostensibly healthy population. A literature search was performed for the gene, cDNA change, and amino acid change (where applicable). No publications were found based on this search. Allele frequency data from public databases was too high to be consistent with this variant causing disease. Therefore, this variant is classified as benign.

NM_198253.3(TERT):c.604G>A (p.Ala202Thr)

Gene: TERT (telomerase reverse transcriptase; minus strand). Cytogenetic location: 5p15.33.
Variant type: single nucleotide variant.
Coding change: c.604G>A on transcript NM_198253.3 (MANE Select); coding-DNA position 604, G replaced by A.
Protein change: p.Ala202Thr; replaces alanine 202 with threonine.
Molecular consequence: missense variant. On other transcripts: non-coding transcript variant (2).
Genome position (GRCh38, 1-based): chr5:1,294,282, C>T on the plus strand (G>A on the coding strand, the complement: TERT is on the minus strand). VCF-style: chr5-1294282-C-T. GRCh37 (hg19) VCF-style: chr5-1294397-C-T.
Other names: c.604G>A, p.Ala202Thr (NM_001193376.3); short protein forms A202T.
Identifiers: ClinVar variation 12729 (VCV000012729.57), dbSNP rs121918661, ClinGen allele CA122653.